The following is an entry in ClinVar:

NM_004991.4(MECOM):c.1919A>G (p.Asn640Ser)

Gene: MECOM (MDS1 and EVI1 complex locus; minus strand). Cytogenetic location: 3q26.2.
Variant type: single nucleotide variant.
Coding change: c.1919A>G on transcript NM_004991.4 (MANE Select); coding-DNA position 1919, A replaced by G.
Protein change: p.Asn640Ser; replaces asparagine 640 with serine.
Molecular consequence: missense variant. On other transcripts: intron variant (2).
Genome position (GRCh38, 1-based): chr3:169,115,953, T>C on the plus strand (A>G on the coding strand, the complement: MECOM is on the minus strand). VCF-style: chr3-169115953-T-C. GRCh37 (hg19) VCF-style: chr3-168833741-T-C.
Other names: c.1550A>G, p.Asn517Ser (NM_001105077.4); c.1355A>G, p.Asn452Ser (NM_001105078.4, NM_001164000.2, NM_001205194.2 and 4 more transcripts); c.1358A>G, p.Asn453Ser (NM_001163999.2, NM_001366467.2, NM_001366468.2 and 1 more transcripts); c.1919A>G, p.Asn640Ser (NM_001366466.2); c.1133-186A>G (NM_001366473.2); c.569-186A>G (NM_001366474.2); short protein forms N640S, N452S, N453S, N517S.
Identifiers: ClinVar variation 4105786 (VCV004105786.1).
Genomic context (GRCh38, chr3:169,115,953, plus strand): 5'-TCATTCACAGCTCCTGACACCGCAGTCTGCTCCTCTAAAGATGGTGAGAAAATGGAATGA[T>C]TGCTGTATTCTTTCTTATTATTTATTGAAGCCAGATTCTGAAGAGGGCTTACTTTGTCTT-3'
Protein context (NP_004982.2, residues 630-650): ASINNKKEYS[Asn640Ser]HSIFSPSLEE

ClinVar aggregate classification (germline): Uncertain significance (1 of 4 stars; one submission).

Conditions:
Inborn genetic diseases. Identifiers: MedGen C0950123, MeSH D030342.

gnomAD v4.1: 4 of 1,614,034 alleles (0.00025%); highest among the groups gnomAD compares: Admixed American, 0.005%; 1 homozygote.

Submission:

Ambry Genetics
Classification: Uncertain significance for Inborn genetic diseases. Last evaluated: 2025-07-21. Review status: criteria provided, single submitter. Criteria: Ambry Variant Classification Scheme 2023. Collection method: clinical testing. Allele origin: germline.
Comment: The p.N640S variant (also known as c.1919A>G), located in coding exon 8 of the MECOM gene, results from an A to G substitution at nucleotide position 1919. The asparagine at codon 640 is replaced by serine, an amino acid with highly similar properties. This amino acid position is conserved. In addition, this alteration is predicted to be tolerated by in silico analysis. Based on the available evidence, the clinical significance of this variant remains unclear.